The following is an entry in ClinVar:

ClinVar aggregate classification (germline): Uncertain significance (1 of 4 stars; one submission).

Conditions:
Hereditary sensory and autonomic neuropathy type 6. Also called: HSAN VI; Neuropathy, hereditary sensory and autonomic, type VI. Identifiers: Orphanet 314381, MedGen C3539003, MONDO:0013839, OMIM 614653.
Epidermolysis bullosa simplex 3, localized or generalized intermediate, with BP230 deficiency (EBS3). Also called: Epidermolysis bullosa simplex, autosomal recessive 2; Epidermolysis bullosa simplex due to BP230 deficiency. Identifiers: Orphanet 412181, MedGen C3809470, MONDO:0014180, OMIM 615425.

gnomAD v4.1: 1 of 1,614,078 alleles (0.000062%); highest among the groups gnomAD compares: Non-Finnish European, 0.000085%; no homozygotes.

Submission:

Labcorp Genetics (formerly Invitae), Labcorp
Classification: Uncertain significance for Epidermolysis bullosa simplex 3, localized or generalized intermediate, with BP230 deficiency; Hereditary sensory and autonomic neuropathy type 6. Last evaluated: 2022-06-22. Review status: criteria provided, single submitter. Criteria: Invitae Variant Classification Sherloc (09022015). Collection method: clinical testing. Allele origin: germline.
Comment: This variant has not been reported in the literature in individuals affected with DST-related conditions. This variant is not present in population databases (gnomAD no frequency). This sequence change replaces threonine, which is neutral and polar, with isoleucine, which is neutral and non-polar, at codon 1798 of the DST protein (p.Thr1798Ile). ClinVar contains an entry for this variant (Variation ID: 541436). In summary, the available evidence is currently insufficient to determine the role of this variant in disease. Therefore, it has been classified as a Variant of Uncertain Significance. Algorithms developed to predict the effect of missense changes on protein structure and function are either unavailable or do not agree on the potential impact of this missense change (SIFT: "Deleterious"; PolyPhen-2: "Benign"; Align-GVGD: "Class C15").

NM_001723.7(DST):c.5393C>T (p.Thr1798Ile)

Gene: DST (dystonin; minus strand). Cytogenetic location: 6p12.1.
Variant type: single nucleotide variant.
Coding change: c.5393C>T on transcript NM_001723.7 (MANE Plus Clinical); coding-DNA position 5393, C replaced by T.
Protein change: p.Thr1798Ile; replaces threonine 1798 with isoleucine.
Molecular consequence: missense variant. On other transcripts: intron variant (10).
Genome position (GRCh38, 1-based): chr6:56,618,641, G>A on the plus strand (C>T on the coding strand, the complement: DST is on the minus strand). VCF-style: chr6-56618641-G-A. GRCh37 (hg19) VCF-style: chr6-56483439-G-A.
Other names: c.4831-4157C>T (NM_001144769.5); c.4930-4157C>T (NM_001374722.1, NM_001374736.1); c.4957-4157C>T (NM_001374734.1); c.4417-4157C>T (NM_001144770.2); c.4297-4157C>T (NM_001374730.1, NM_001386100.1, NM_183380.4 and 1 more transcripts); c.3319-4157C>T (NM_015548.5); short protein forms T1798I.
Identifiers: ClinVar variation 541436 (VCV000541436.9), dbSNP rs1554504820, ClinGen allele CA364567481.
Genomic context (GRCh38, chr6:56,618,641, plus strand): 5'-TGCCCTTGCTGCATTTGTTCACGATACTGTTGAAGCTGTCTTTCAAGTTCTTTAATGTTT[G>A]TTTCACAAAGCTTAGCATTTTCTTGGGCTCTAGAGTTTTCTTGTTGAAGAGACACAAAGT-3'
Protein context (NP_001714.1, residues 1788-1808): RAQENAKLCE[Thr1798Ile]NIKELERQLQ